The following is an entry in ClinVar:

ClinVar aggregate classification (germline): Conflicting classifications of pathogenicity. Review status: criteria provided, conflicting classifications (1 of 4 stars). 2 submissions from 2 submitters: Uncertain significance (1); Likely benign (1). Last evaluated 2026-02-01.

Allele frequency attached by ClinVar (database versions not stated): gnomAD exomes below 0.00001; gnomAD 0.00002; TOPMed 0.00002.
gnomAD v4.1: 6 of 1,556,816 alleles (0.00039%); highest among the groups gnomAD compares: Non-Finnish European, 0.00052%; no homozygotes.

Submissions (2):

Labcorp Genetics (formerly Invitae), Labcorp
Classification: Uncertain significance. Last evaluated: 2026-02-01. Review status: criteria provided, single submitter. Criteria: Invitae Variant Classification Sherloc (09022015). Collection method: clinical testing. Allele origin: germline.
Comment: This sequence change falls in intron 24 of the COL9A2 gene. It does not directly change the encoded amino acid sequence of the COL9A2 protein. It affects a nucleotide within the consensus splice site. This variant is not present in population databases (gnomAD no frequency). This variant has not been reported in the literature in individuals affected with COL9A2-related conditions. ClinVar contains an entry for this variant (Variation ID: 680402). Variants that disrupt the consensus splice site are a relatively common cause of aberrant splicing (PMID: 17576681, 9536098). Algorithms developed to predict the effect of sequence changes on RNA splicing suggest that this variant is not likely to affect RNA splicing. In summary, the available evidence is currently insufficient to determine the role of this variant in disease. Therefore, it has been classified as a Variant of Uncertain Significance.

GeneDx
Classification: Likely benign. Last evaluated: 2018-03-15. Review status: criteria provided, single submitter. Criteria: GeneDx Variant Classification (06012015). Collection method: clinical testing. Allele origin: germline. Affected: yes.
Comment: This variant is considered likely benign or benign based on one or more of the following criteria: it is a conservative change, it occurs at a poorly conserved position in the protein, it is predicted to be benign by multiple in silico algorithms, and/or has population frequency not consistent with disease.

Literature cited by the submitters: PubMed 17576681 (cited by Labcorp Genetics (formerly Invitae), Labcorp); PubMed 9536098 (cited by Labcorp Genetics (formerly Invitae), Labcorp).

NM_001852.4(COL9A2):c.1287+5C>T

Gene: COL9A2 (collagen type IX alpha 2 chain; minus strand). Cytogenetic location: 1p34.2.
Variant type: single nucleotide variant.
Coding change: c.1287+5C>T on transcript NM_001852.4 (MANE Select); 5 bases into the intron after coding-DNA position 1287, C replaced by T.
Molecular consequence: intron variant.
Genome position (GRCh38, 1-based): chr1:40,304,315, G>A on the plus strand (C>T on the coding strand, the complement: COL9A2 is on the minus strand). VCF-style: chr1-40304315-G-A. GRCh37 (hg19) VCF-style: chr1-40769987-G-A.
Identifiers: ClinVar variation 680402 (VCV000680402.7), dbSNP rs997566626, ClinGen allele CA21041334.